The following is an entry in ClinVar:

ClinVar aggregate classification (germline): Uncertain significance (1 of 4 stars; one submission).

Submission:

CeGaT Center for Human Genetics Tuebingen
Classification: Uncertain significance. Last evaluated: 2023-01-01. Review status: criteria provided, single submitter. Criteria: CeGaT Center For Human Genetics Tuebingen Variant Classification Criteria Version 2. Collection method: clinical testing. Allele origin: germline. Affected: yes. Observed: 1 variant allele.
Comment: RBSN: PM2

NM_022340.4(RBSN):c.215_216del (p.Glu72fs)

Gene: RBSN (rabenosyn, RAB effector; minus strand). Cytogenetic location: 3p25.1.
Variant type: Microsatellite.
Coding change: c.215_216del on transcript NM_022340.4 (MANE Select); coding-DNA positions 215 to 216, 2 bases deleted (AG; older notation c.215_216delAG).
Protein change: p.Glu72fs; shifts the reading frame from glutamic acid 72.
Molecular consequence: frameshift variant.
Genome position (GRCh38, 1-based): chr3:15,090,472-15,090,473, CT deleted on the plus strand (AG on the coding strand, the reverse complement: RBSN is on the minus strand); deleting any 2 consecutive bases within chr3:15,090,472-15,090,475 gives the same sequence; the c. name uses the placement nearest the transcript's 3' end. VCF-style (leftmost placement, unchanged base first): chr3-15090471-ACT-A. GRCh37 (hg19) VCF-style: chr3-15131978-ACT-A.
Other names: c.215_216del, p.Glu72fs (NM_001302378.2); short protein forms E72fs.
Identifiers: ClinVar variation 2653593 (VCV002653593.24), dbSNP rs2043482504, ClinGen allele CA1045333528.
Genomic context (GRCh38, chr3:15,090,471, plus strand): 5'-GTTCCCACATGTAAGGATCAACCCCTCCATAGCTGAAAGACTCATATCCTTGGGTCCCTG[ACT>A]CTGCTCGATCATCCCCTTCTCGTTTCAACAACCTGTCCTTTGCTTTTTTAGCCTTCTGGA-3'